The following is an entry in ClinVar:

NM_025003.5(ADAMTS20):c.2966G>A (p.Arg989Gln)

Gene: ADAMTS20 (ADAM metallopeptidase with thrombospondin type 1 motif 20; minus strand). Cytogenetic location: 12q12.
Variant type: single nucleotide variant.
Coding change: c.2966G>A on transcript NM_025003.5 (MANE Select); coding-DNA position 2966, G replaced by A.
Protein change: p.Arg989Gln; replaces arginine 989 with glutamine.
Molecular consequence: missense variant.
Genome position (GRCh38, 1-based): chr12:43,432,434, C>T on the plus strand (G>A on the coding strand, the complement: ADAMTS20 is on the minus strand). VCF-style: chr12-43432434-C-T. GRCh37 (hg19) VCF-style: chr12-43826237-C-T.
Other names: short protein forms R989Q.
Identifiers: ClinVar variation 4637631 (VCV004637631.1).

ClinVar aggregate classification (germline): Uncertain significance (1 of 4 stars; one submission).

gnomAD v4.1: 22 of 1,612,876 alleles (0.0014%); highest among the groups gnomAD compares: African/African-American, 0.0054%; no homozygotes.

Submission:

Ambry Genetics
Classification: Uncertain significance. Last evaluated: 2025-09-21. Review status: criteria provided, single submitter. Criteria: Ambry Variant Classification Scheme 2023. Collection method: clinical testing. Allele origin: germline.
Comment: The c.2966G>A (p.R989Q) alteration is located in exon 21 (coding exon 21) of the ADAMTS20 gene. This alteration results from a G to A substitution at nucleotide position 2966, causing the arginine (R) at amino acid position 989 to be replaced by a glutamine (Q). Based on data from gnomAD, the A allele has an overall frequency of 0.001% (2/282178) total alleles studied. The highest observed frequency was 0.005% (1/19940) of East Asian alleles. Based on insufficient or conflicting evidence, the clinical significance of this alteration remains unclear.